The following is an entry in ClinVar:

NM_002907.4(RECQL):c.1197C>G (p.Tyr399Ter)

Gene: RECQL (RecQ like helicase; minus strand). Cytogenetic location: 12p12.1.
Variant type: single nucleotide variant.
Coding change: c.1197C>G on transcript NM_002907.4 (MANE Select); coding-DNA position 1197, C replaced by G.
Protein change: p.Tyr399Ter; replaces tyrosine 399 with a stop codon.
Molecular consequence: nonsense.
Genome position (GRCh38, 1-based): chr12:21,475,487, G>C on the plus strand (C>G on the coding strand, the complement: RECQL is on the minus strand). VCF-style: chr12-21475487-G-C. GRCh37 (hg19) VCF-style: chr12-21628421-G-C.
Other names: c.1197C>G, p.Tyr399Ter (NM_032941.3); short protein forms Y399*.
Identifiers: ClinVar variation 1746262 (VCV001746262.2), dbSNP rs745337984, ClinGen allele CA384119288.
Genomic context (GRCh38, chr12:21,475,487, plus strand): 5'-AGCTTTCTAAAAATTTACTTCTGGATTTGAGTCCTACATACCTGCACGTCCACTCTCTTG[G>C]TAATAATTTTCCATGGATTTACTCATTGAATGATGGATAACAAACCTCACATCTGGCTTA-3'

ClinVar aggregate classification (germline): Uncertain significance (1 of 4 stars; one submission).

Allele frequency attached by ClinVar (database versions not stated): TOPMed below 0.00001.
gnomAD v4.1: 1 of 1,609,898 alleles (0.000062%); highest among the groups gnomAD compares: African/African-American, 0.0013%; no homozygotes.

Submission:

Ambry Genetics
Classification: Uncertain significance. Last evaluated: 2022-08-17. Review status: criteria provided, single submitter. Criteria: Ambry Variant Classification Scheme 2023. Collection method: clinical testing. Allele origin: germline.
Comment: The p.Y399* variant (also known as c.1197C>G), located in coding exon 9 of the RECQL gene, results from a C to G substitution at nucleotide position 1197. This changes the amino acid from a tyrosine to a stop codon within coding exon 9. This alteration is expected to result in premature protein truncation or nonsense-mediated mRNA decay. However, the evidence for this gene-disease relationship is limited; therefore, the clinical significance of this alteration is unclear.